The following is an entry in ClinVar:

ClinVar aggregate classification (germline): Uncertain significance (1 of 4 stars; one submission).

Conditions:
46,XY sex reversal 9 (SRXY9). Also called: 46,XY SEX REVERSAL, ZFPM2-RELATED. Identifiers: Orphanet 251510, MedGen C4015129, MONDO:0014480, OMIM 616067.

gnomAD v4.1: 1 of 1,613,794 alleles (0.000062%); highest among the groups gnomAD compares: Admixed American, 0.0017%; no homozygotes.

Submission:

Labcorp Genetics (formerly Invitae), Labcorp
Classification: Uncertain significance for 46,XY sex reversal 9. Last evaluated: 2024-05-06. Review status: criteria provided, single submitter. Criteria: Invitae Variant Classification Sherloc (09022015). Collection method: clinical testing. Allele origin: germline.
Comment: This sequence change replaces methionine, which is neutral and non-polar, with leucine, which is neutral and non-polar, at codon 744 of the ZFPM2 protein (p.Met744Leu). This variant is not present in population databases (gnomAD no frequency). This variant has not been reported in the literature in individuals affected with ZFPM2-related conditions. An algorithm developed to predict the effect of missense changes on protein structure and function (PolyPhen-2) suggests that this variant is likely to be tolerated. In summary, the available evidence is currently insufficient to determine the role of this variant in disease. Therefore, it has been classified as a Variant of Uncertain Significance.

NM_012082.4(ZFPM2):c.2230A>C (p.Met744Leu)

Genes: ZFPM2 (zinc finger protein, FOG family member 2; plus strand), ZFPM2-AS1 (ZFPM2 antisense RNA 1; minus strand), LOC126860469 (BRD4-independent group 4 enhancer GRCh37_chr8:106814445-106815644; plus strand). Cytogenetic location: 8q23.1.
Variant type: single nucleotide variant.
Coding change: c.2230A>C on transcript NM_012082.4 (MANE Select); coding-DNA position 2230, A replaced by C.
Protein change: p.Met744Leu; replaces methionine 744 with leucine.
Molecular consequence: missense variant.
Genome position (GRCh38, 1-based): chr8:105,802,312, A>C. VCF-style: chr8-105802312-A-C. GRCh37 (hg19) VCF-style: chr8-106814540-A-C.
Other names: c.2071A>C, p.Met691Leu (NM_001362836.2); c.1834A>C, p.Met612Leu (NM_001362837.2); short protein forms M691L, M612L, M744L.
Identifiers: ClinVar variation 3711865 (VCV003711865.2).
Genomic context (GRCh38, chr8:105,802,312, plus strand): 5'-AACAAAGTGCCTGCCATGCAGAGAACCATGCGCACACGCAAGCGCAGAAAGATGTATGAG[A>C]TGTGCCTACCTGAGCAGGAACAAAGGCCTCCACTGGTTCAGCAGAGATTTCTTGACGTAG-3'
Protein context (NP_036214.2, residues 734-754): RTRKRRKMYE[Met744Leu]CLPEQEQRPP